The following is an entry in ClinVar:

ClinVar aggregate classification (germline): Conflicting classifications of pathogenicity. Review status: criteria provided, conflicting classifications (1 of 4 stars). 4 submissions from 4 submitters: Uncertain significance (2); Likely benign (1). 1 of the submissions does not count toward it. Last evaluated 2026-01-27.

Conditions:
Hereditary cancer-predisposing syndrome. Also called: Hereditary Cancer Syndrome; Neoplastic Syndromes, Hereditary; Tumor predisposition; Hereditary neoplastic syndrome. Identifiers: Orphanet 140162, MedGen C0027672, MeSH D009386, MONDO:0015356.
Ataxia-telangiectasia syndrome (AT). Also called: Ataxia telangiectasia (A-T); Ataxia-telangiectasia, complementation group E; LOUIS-BAR SYNDROME; Cerebello-oculocutaneous telangiectasia; Immunodeficiency with ataxia telangiectasia; Ataxia-telangiectasia, complementation group D. Identifiers: Orphanet 100, MedGen C0004135, MONDO:0008840, OMIM 208900.

Allele frequency attached by ClinVar (database versions not stated): gnomAD exomes below 0.00001; TOPMed below 0.00001.
gnomAD v4.1: 5 of 1,614,090 alleles (0.00031%); highest among the groups gnomAD compares: South Asian, 0.0011%; no homozygotes.

Submissions (4):

Labcorp Genetics (formerly Invitae), Labcorp
Classification: Uncertain significance for Ataxia-telangiectasia syndrome. Last evaluated: 2026-01-27. Review status: criteria provided, single submitter. Criteria: Invitae Variant Classification Sherloc (09022015). Collection method: clinical testing. Allele origin: germline.
Comment: This sequence change replaces serine, which is neutral and polar, with proline, which is neutral and non-polar, at codon 853 of the ATM protein (p.Ser853Pro). This variant is not present in population databases (gnomAD no frequency). This variant has not been reported in the literature in individuals affected with ATM-related conditions. ClinVar contains an entry for this variant (Variation ID: 231030). Invitae Evidence Modeling of protein sequence and biophysical properties (such as structural, functional, and spatial information, amino acid conservation, physicochemical variation, residue mobility, and thermodynamic stability) indicates that this missense variant is not expected to disrupt ATM protein function with a negative predictive value of 95%. In summary, the available evidence is currently insufficient to determine the role of this variant in disease. Therefore, it has been classified as a Variant of Uncertain Significance.

Ambry Genetics
Classification: Likely benign for Hereditary cancer-predisposing syndrome. Last evaluated: 2025-09-24. Review status: criteria provided, single submitter. Criteria: Ambry Variant Classification Scheme 2023. Collection method: clinical testing. Allele origin: germline.

Women's Health and Genetics/Laboratory Corporation of America, LabCorp
Classification: Uncertain significance. Last evaluated: 2022-07-25. Review status: criteria provided, single submitter. Criteria: LabCorp Variant Classification Summary - May 2015. Collection method: clinical testing. Allele origin: germline.
Comment: Variant summary: ATM c.2557T>C (p.Ser853Pro) results in a non-conservative amino acid change in the encoded protein sequence. Four of five in-silico tools predict a benign effect of the variant on protein function. The variant was absent in 251412 control chromosomes (gnomAD). The available data on variant occurrences in the general population are insufficient to allow any conclusion about variant significance. To our knowledge, no occurrence of c.2557T>C in individuals affected with Ataxia-Telangiectasia and no experimental evidence demonstrating its impact on protein function have been reported. Three clinical diagnostic laboratories have submitted clinical-significance assessments for this variant to ClinVar after 2014 without evidence for independent evaluation. All laboratories classified the variant as uncertain significance. Based on the evidence outlined above, the variant was classified as uncertain significance.

Natera, Inc.
Classification: Uncertain significance for Ataxia-telangiectasia. Last evaluated: 2020-02-10. Review status: no assertion criteria provided. Collection method: clinical testing. Allele origin: germline. Not counted in ClinVar's aggregate classification.

Literature cited by the submitters: PubMed 29641532 (cited by Ambry Genetics).

NM_000051.4(ATM):c.2557T>C (p.Ser853Pro)

Gene: ATM (ATM serine/threonine kinase; plus strand). Cytogenetic location: 11q22.3.
Variant type: single nucleotide variant.
Coding change: c.2557T>C on transcript NM_000051.4 (MANE Select); coding-DNA position 2557, T replaced by C.
Protein change: p.Ser853Pro; replaces serine 853 with proline.
Molecular consequence: missense variant.
Genome position (GRCh38, 1-based): chr11:108,267,261, T>C. VCF-style: chr11-108267261-T-C. GRCh37 (hg19) VCF-style: chr11-108137988-T-C.
Other names: c.2557T>C, p.Ser853Pro (NM_001351834.2); short protein forms S853P.
Identifiers: ClinVar variation 231030 (VCV000231030.20), dbSNP rs876658913, ClinGen allele CA10579061.
Genomic context (GRCh38, chr11:108,267,261, plus strand): 5'-GGAGAAGTAGAATCAATGGAAGATGATACTAATGGAAATCTAATGGAGGTGGAGGATCAG[T>C]CATCCATGAATCTATTTAACGATTACCCTGATAGTAGTGTTAGTGATGCAAACGAACCTG-3'
Protein context (NP_000042.3, residues 843-863): NGNLMEVEDQ[Ser853Pro]SMNLFNDYPD